The following is an entry in ClinVar:

NM_000038.6(APC):c.4501T>G (p.Ser1501Ala)

Gene: APC (APC regulator of Wnt signaling pathway; plus strand). Cytogenetic location: 5q22.2.
Variant type: single nucleotide variant.
Coding change: c.4501T>G on transcript NM_000038.6 (MANE Select); coding-DNA position 4501, T replaced by G.
Protein change: p.Ser1501Ala; replaces serine 1501 with alanine.
Molecular consequence: missense variant. On other transcripts: non-coding transcript variant (2).
Genome position (GRCh38, 1-based): chr5:112,840,095, T>G. VCF-style: chr5-112840095-T-G. GRCh37 (hg19) VCF-style: chr5-112175792-T-G.
Other names: c.4501T>G, p.Ser1501Ala (NM_001127510.3, NM_001354895.2, NM_001407450.1); c.4447T>G, p.Ser1483Ala (NM_001127511.3); c.4555T>G, p.Ser1519Ala (NM_001354896.2, NM_001407447.1, NM_001407448.1 and 1 more transcripts); c.4531T>G, p.Ser1511Ala (NM_001354897.2); c.4426T>G, p.Ser1476Ala (NM_001354898.2); c.4417T>G, p.Ser1473Ala (NM_001354899.2); c.4378T>G, p.Ser1460Ala (NM_001354900.2); c.4324T>G, p.Ser1442Ala (NM_001354901.2, NM_001407453.1); and 11 more; short protein forms S1218A, S1372A, S1418A, S1341A, S1375A, S1400A, S1491A, S1410A.
Identifiers: ClinVar variation 3409836 (VCV003409836.1).

ClinVar aggregate classification (germline): Uncertain significance (1 of 4 stars; one submission).

Conditions:
Hereditary cancer-predisposing syndrome. Also called: Neoplastic Syndromes, Hereditary; Tumor predisposition; Hereditary Cancer Syndrome; Hereditary neoplastic syndrome. Identifiers: Orphanet 140162, MedGen C0027672, MeSH D009386, MONDO:0015356.

Submission:

Ambry Genetics
Classification: Uncertain significance for Hereditary cancer-predisposing syndrome. Last evaluated: 2024-07-27. Review status: criteria provided, single submitter. Criteria: Ambry Variant Classification Scheme 2023. Collection method: clinical testing. Allele origin: germline.
Comment: The p.S1501A variant (also known as c.4501T>G), located in coding exon 15 of the APC gene, results from a T to G substitution at nucleotide position 4501. The serine at codon 1501 is replaced by alanine, an amino acid with similar properties. This amino acid position is conserved. In addition, in silico predictors for this gene do not accurately predict pathogenicity. Based on the available evidence, the clinical significance of this variant remains unclear.